The following is an entry in ClinVar:

NM_006393.3(NEBL):c.536G>A (p.Arg179Gln)

Gene: NEBL (nebulette; minus strand). Cytogenetic location: 10p12.31.
Variant type: single nucleotide variant.
Coding change: c.536G>A on transcript NM_006393.3 (MANE Select); coding-DNA position 536, G replaced by A.
Protein change: p.Arg179Gln; replaces arginine 179 with glutamine.
Molecular consequence: missense variant. On other transcripts: intron variant (9).
Genome position (GRCh38, 1-based): chr10:20,869,786, C>T on the plus strand (G>A on the coding strand, the complement: NEBL is on the minus strand). VCF-style: chr10-20869786-C-T. GRCh37 (hg19) VCF-style: chr10-21158715-C-T.
Other names: c.536G>A (NM_006393.2); c.250-56846G>A (NM_001377326.1, NM_001377327.1, NM_001377328.1); c.358-56846G>A (NM_213569.2, NM_001173484.2, NM_001377322.1); c.301-56846G>A (NM_001377324.1); c.292-56846G>A (NM_001377325.1); c.310-56846G>A (NM_001377323.1); short protein forms R179Q.
Identifiers: ClinVar variation 1523256 (VCV001523256.7), dbSNP rs750476653, ClinGen allele CA5433207.

ClinVar aggregate classification (germline): Uncertain significance. Review status: criteria provided, multiple submitters, no conflicts (2 of 4 stars). 2 submissions from 2 submitters: Uncertain significance (2). Last evaluated 2024-08-19.

Conditions:
Primary dilated cardiomyopathy (DCM). Also called: Dilated Cardiomyopathy. Identifiers: Orphanet 217604, MedGen C0007193, MeSH D002311, MONDO:0005021, HP:0001644. Inheritance: Various modes of inheritance.

Allele frequency attached by ClinVar (database versions not stated): gnomAD exomes 0.00001; ExAC 0.00002; gnomAD 0.00003.
gnomAD v4.1: 17 of 1,613,344 alleles (0.0011%); highest among the groups gnomAD compares: Admixed American, 0.012%; no homozygotes.

Submissions (2):

Ambry Genetics
Classification: Uncertain significance. Last evaluated: 2024-08-19. Review status: criteria provided, single submitter. Criteria: Ambry Variant Classification Scheme 2023. Collection method: clinical testing. Allele origin: germline.

Labcorp Genetics (formerly Invitae), Labcorp
Classification: Uncertain significance for Primary dilated cardiomyopathy. Last evaluated: 2024-03-06. Review status: criteria provided, single submitter. Criteria: Invitae Variant Classification Sherloc (09022015). Collection method: clinical testing. Allele origin: germline.
Comment: This sequence change replaces arginine, which is basic and polar, with glutamine, which is neutral and polar, at codon 179 of the NEBL protein (p.Arg179Gln). This variant is present in population databases (rs750476653, gnomAD 0.009%). This variant has not been reported in the literature in individuals affected with NEBL-related conditions. ClinVar contains an entry for this variant (Variation ID: 1523256). An algorithm developed to predict the effect of missense changes on protein structure and function (PolyPhen-2) suggests that this variant is likely to be disruptive. In summary, the available evidence is currently insufficient to determine the role of this variant in disease. Therefore, it has been classified as a Variant of Uncertain Significance.